The following is an entry in ClinVar:

ClinVar aggregate classification (germline): Uncertain significance. Review status: criteria provided, single submitter (1 of 4 stars). 2 submissions from 1 submitter: Uncertain significance (2). Last evaluated 2019-03-12.

Conditions:
Ehlers-Danlos syndrome, classic type (cEDS). Identifiers: Orphanet 287, MedGen C4225429, MONDO:0007522.
Ehlers-Danlos syndrome, classic type, 1 (EDSCL1). Also called: Ehlers-Danlos syndrome, type 1; Ehlers-Danlos Syndrome, Classic Type, COL5A1-Related; EDS I; EHLERS-DANLOS SYNDROME, GRAVIS TYPE; EHLERS-DANLOS SYNDROME, SEVERE CLASSIC TYPE. Identifiers: MedGen C0268335, MONDO:0019567, OMIM 130000.

Submissions (2):

Labcorp Genetics (formerly Invitae), Labcorp
Classification: Uncertain significance for Ehlers-Danlos syndrome, type 1. Last evaluated: 2019-03-12. Review status: criteria provided, single submitter. Criteria: Invitae Variant Classification Sherloc (09022015). Collection method: clinical testing. Allele origin: germline.
Comment: This variant is an in-frame deletion of the genomic region encompassing exons 13-16 of the COL5A2 gene. It preserves the integrity of the reading frame. This variant has not been reported in the literature in individuals with COL5A2-related conditions. Experimental studies and prediction algorithms are not available for this variant, and the functional significance of the affected amino acid(s) is currently unknown. In summary, the available evidence is currently insufficient to determine the role of this variant in disease. Therefore, it has been classified as a Variant of Uncertain Significance.

Labcorp Genetics (formerly Invitae), Labcorp
Classification: Uncertain significance for Ehlers-Danlos syndrome, classic type, 1. Last evaluated: 2019-03-11. Review status: criteria provided, single submitter. Criteria: Invitae Variant Classification Sherloc (09022015). Collection method: clinical testing. Allele origin: germline.
Comment: In summary, the available evidence is currently insufficient to determine the role of this variant in disease. Therefore, it has been classified as a Variant of Uncertain Significance. Experimental studies and prediction algorithms are not available for this variant, and the functional significance of the affected amino acid(s) is currently unknown. This variant has not been reported in the literature in individuals with COL5A2-related conditions. This variant is an in-frame deletion of the genomic region encompassing exons 13-16 of the COL5A2 gene. It preserves the integrity of the reading frame.

NC_000002.12:g.(?_189078506)_(189081053_?)del

Gene: COL5A2 (collagen type V alpha 2 chain; minus strand). Cytogenetic location: 2q32.2.
Variant type: Deletion.
Identifiers: ClinVar variation 831926 (VCV000831926.6).